The following is an entry in ClinVar:

ClinVar aggregate classification (germline): Uncertain significance (1 of 4 stars; one submission).

Conditions:
Arrhythmogenic right ventricular dysplasia 1. Identifiers: Orphanet 3403, MedGen C1862511, MONDO:0007152, OMIM 107970.

Submission:

Laboratory of Medical Genetics, National & Kapodistrian University of Athens
Classification: Uncertain significance for Arrhythmogenic right ventricular dysplasia 1. Last evaluated: 2018-06-26. Review status: criteria provided, single submitter. Criteria: ACMG Guidelines, 2015. Collection method: clinical testing. Allele origin: de novo. Affected: yes.
Comment: PM2, PP3

NM_003239.5(TGFB3):c.785G>T (p.Gly262Val)

Gene: TGFB3 (transforming growth factor beta 3; minus strand). Cytogenetic location: 14q24.3.
Variant type: single nucleotide variant.
Coding change: c.785G>T on transcript NM_003239.5 (MANE Select); coding-DNA position 785, G replaced by T.
Protein change: p.Gly262Val; replaces glycine 262 with valine.
Molecular consequence: missense variant.
Genome position (GRCh38, 1-based): chr14:75,963,457, C>A on the plus strand (G>T on the coding strand, the complement: TGFB3 is on the minus strand). VCF-style: chr14-75963457-C-A. GRCh37 (hg19) VCF-style: chr14-76429800-C-A.
Other names: c.785G>T, p.Gly262Val (NM_001329938.2, NM_001329939.2); short protein forms G262V.
Identifiers: ClinVar variation 637043 (VCV000637043.1), dbSNP rs1595339233, ClinGen allele CA390468636.